The following is an entry in ClinVar:

ClinVar aggregate classification (germline): Uncertain significance (1 of 4 stars; one submission).

Conditions:
Developmental and epileptic encephalopathy, 34 (DEE34). Also called: Early infantile epileptic encephalopathy 34; SLC12A5-Related Epilepsy of Infancy with Migrating Focal Seizures. Identifiers: Orphanet 293181, MedGen C4225257, MONDO:0014718, OMIM 616645.

Allele frequency attached by ClinVar (database versions not stated): TOPMed below 0.00001.

Submission:

Labcorp Genetics (formerly Invitae), Labcorp
Classification: Uncertain significance for Developmental and epileptic encephalopathy, 34. Last evaluated: 2018-12-25. Review status: criteria provided, single submitter. Criteria: Invitae Variant Classification Sherloc (09022015). Collection method: clinical testing. Allele origin: germline.
Comment: This variant is not present in population databases (ExAC no frequency). This sequence change replaces serine with phenylalanine at codon 988 of the SLC12A5 protein (p.Ser988Phe). The serine residue is moderately conserved and there is a large physicochemical difference between serine and phenylalanine. This variant has not been reported in the literature in individuals with SLC12A5-related conditions. In summary, the available evidence is currently insufficient to determine the role of this variant in disease. Therefore, it has been classified as a Variant of Uncertain Significance. Algorithms developed to predict the effect of missense changes on protein structure and function are either unavailable or do not agree on the potential impact of this missense change (SIFT: "Deleterious"; PolyPhen-2: "Benign"; Align-GVGD: "Class C0").

NM_020708.5(SLC12A5):c.2963C>T (p.Ser988Phe)

Gene: SLC12A5 (solute carrier family 12 member 5; plus strand). Cytogenetic location: 20q13.12.
Variant type: single nucleotide variant.
Coding change: c.2963C>T on transcript NM_020708.5 (MANE Select); coding-DNA position 2963, C replaced by T.
Protein change: p.Ser988Phe; replaces serine 988 with phenylalanine.
Molecular consequence: missense variant.
Genome position (GRCh38, 1-based): chr20:46,056,417, C>T. VCF-style: chr20-46056417-C-T. GRCh37 (hg19) VCF-style: chr20-44685056-C-T.
Other names: c.3032C>T, p.Ser1011Phe (NM_001134771.2); short protein forms S1011F, S988F.
Identifiers: ClinVar variation 646269 (VCV000646269.9), dbSNP rs1600607044, ClinGen allele CA409207717.